The following is an entry in ClinVar:

ClinVar aggregate classification (germline): Uncertain significance (1 of 4 stars; one submission).

Conditions:
Epileptic encephalopathy. Identifiers: MedGen C0543888, HP:0200134.

Submission:

Labcorp Genetics (formerly Invitae), Labcorp
Classification: Uncertain significance for Epileptic encephalopathy. Last evaluated: 2025-12-30. Review status: criteria provided, single submitter. Criteria: Invitae Variant Classification Sherloc (09022015). Collection method: clinical testing. Allele origin: germline.
Comment: This sequence change replaces proline, which is neutral and non-polar, with leucine, which is neutral and non-polar, at codon 18 of the GABBR2 protein (p.Pro18Leu). The frequency data for this variant in the population databases is considered unreliable, as metrics indicate insufficient coverage at this position in the gnomAD database. This variant has not been reported in the literature in individuals affected with GABBR2-related conditions. An algorithm developed to predict the effect of missense changes on protein structure and function outputs the following: PolyPhen-2: "Not Available". The leucine amino acid residue is found in multiple mammalian species, which suggests that this missense change does not adversely affect protein function. In summary, the available evidence is currently insufficient to determine the role of this variant in disease. Therefore, it has been classified as a Variant of Uncertain Significance.

NM_005458.8(GABBR2):c.53C>T (p.Pro18Leu)

Gene: GABBR2 (gamma-aminobutyric acid type B receptor subunit 2; minus strand). Cytogenetic location: 9q22.33.
Variant type: single nucleotide variant.
Coding change: c.53C>T on transcript NM_005458.8 (MANE Select); coding-DNA position 53, C replaced by T.
Protein change: p.Pro18Leu; replaces proline 18 with leucine.
Molecular consequence: missense variant.
Genome position (GRCh38, 1-based): chr9:98,708,685, G>A on the plus strand (C>T on the coding strand, the complement: GABBR2 is on the minus strand). VCF-style: chr9-98708685-G-A. GRCh37 (hg19) VCF-style: chr9-101470967-G-A.
Other names: short protein forms P18L.
Identifiers: ClinVar variation 4692628 (VCV004692628.1).